The following is an entry in ClinVar:

NM_001042492.3(NF1):c.1261T>G (p.Ser421Ala)

Gene: NF1 (neurofibromin 1; plus strand). Cytogenetic location: 17q11.2.
Variant type: single nucleotide variant.
Coding change: c.1261T>G on transcript NM_001042492.3 (MANE Select); coding-DNA position 1261, T replaced by G.
Protein change: p.Ser421Ala; replaces serine 421 with alanine.
Molecular consequence: missense variant.
Genome position (GRCh38, 1-based): chr17:31,206,240, T>G. VCF-style: chr17-31206240-T-G. GRCh37 (hg19) VCF-style: chr17-29533258-T-G.
Other names: c.1261T>G, p.Ser421Ala (NM_000267.4, NM_001128147.3); short protein forms S421A.
Identifiers: ClinVar variation 237513 (VCV000237513.13), dbSNP rs878853864, ClinGen allele CA10583469.

ClinVar aggregate classification (germline): Conflicting classifications of pathogenicity. Review status: criteria provided, conflicting classifications (1 of 4 stars). 4 submissions from 4 submitters: Uncertain significance (3); Likely benign (1). Last evaluated 2025-12-01.

Conditions:
Cardiovascular phenotype. Identifiers: MedGen CN230736.
Hereditary cancer-predisposing syndrome. Also called: Tumor predisposition; Hereditary Cancer Syndrome; Hereditary neoplastic syndrome; Neoplastic Syndromes, Hereditary. Identifiers: Orphanet 140162, MedGen C0027672, MeSH D009386, MONDO:0015356.
Neurofibromatosis, type 1 (NF1). Also called: VON RECKLINGHAUSEN DISEASE; NEUROFIBROMATOSIS, TYPE I, SOMATIC; Peripheral type neurofibromatosis; Neurofibromatosis, type I. Identifiers: Orphanet 636, MedGen C0027831, MONDO:0018975, OMIM 162200. Disease mechanism: loss of function.

Submissions (4):

Labcorp Genetics (formerly Invitae), Labcorp
Classification: Likely benign for Neurofibromatosis, type 1. Last evaluated: 2025-12-01. Review status: criteria provided, single submitter. Criteria: Invitae Variant Classification Sherloc (09022015). Collection method: clinical testing. Allele origin: germline.

Ambry Genetics
Classification: Uncertain significance for Cardiovascular phenotype; Hereditary cancer-predisposing syndrome. Last evaluated: 2024-09-11. Review status: criteria provided, single submitter. Criteria: Ambry Variant Classification Scheme 2023. Collection method: clinical testing. Allele origin: germline.
Comment: The p.S421A variant (also known as c.1261T>G) is located in coding exon 12 of the NF1 gene. The serine at codon 421 is replaced by alanine, an amino acid with similar properties. This change occurs in the first base pair of coding exon 12. This amino acid position is highly conserved in available vertebrate species. In addition, this alteration is predicted to be tolerated by in silico analysis. Since supporting evidence is limited at this time, the clinical significance of this alteration remains unclear.

Quest Diagnostics Nichols Institute San Juan Capistrano
Classification: Uncertain significance. Last evaluated: 2023-11-24. Review status: criteria provided, single submitter. Criteria: Quest Diagnostics criteria. Collection method: clinical testing. Allele origin: unknown.

Genome-Nilou Lab
Classification: Uncertain significance for Neurofibromatosis, type 1. Last evaluated: 2022-03-15. Review status: criteria provided, single submitter. Criteria: ACMG Guidelines, 2015. Collection method: clinical testing. Allele origin: germline. Affected: no.

Literature cited by the submitters: PubMed 33471991 (cited by Quest Diagnostics Nichols Institute San Juan Capistrano).